The following is an entry in ClinVar:

ClinVar aggregate classification (germline): Pathogenic (1 of 4 stars; one submission).

Conditions:
Ehlers-Danlos syndrome, kyphoscoliotic type 1 (EDSKSCL1). Also called: EHLERS-DANLOS SYNDROME, TYPE VIA; Ehlers-Danlos syndrome, hydroxylysine-deficient; EHLERS-DANLOS SYNDROME, OCULAR-SCOLIOTIC TYPE; PLOD1-Related Kyphoscoliotic Ehlers-Danlos Syndrome. Identifiers: Orphanet 1900, MedGen C0268342, MONDO:0016002, OMIM 225400. Disease mechanism: loss of function.

Submission:

Labcorp Genetics (formerly Invitae), Labcorp
Classification: Pathogenic for Ehlers-Danlos syndrome, kyphoscoliotic type 1. Last evaluated: 2023-06-05. Review status: criteria provided, single submitter. Criteria: Invitae Variant Classification Sherloc (09022015). Collection method: clinical testing. Allele origin: germline.
Comment: For these reasons, this variant has been classified as Pathogenic. Algorithms developed to predict the effect of sequence changes on RNA splicing suggest that this variant may disrupt the consensus splice site. This variant has not been reported in the literature in individuals affected with PLOD1-related conditions. This variant is not present in population databases (gnomAD no frequency). This sequence change creates a premature translational stop signal (p.Asp367Profs*17) in the PLOD1 gene. It is expected to result in an absent or disrupted protein product. Loss-of-function variants in PLOD1 are known to be pathogenic (PMID: 10874315, 21699693).

Literature cited by the submitters: PubMed 10874315; PubMed 21699693.

NC_000001.11:g.11963531GA[1]

Gene: PLOD1 (procollagen-lysine,2-oxoglutarate 5-dioxygenase 1; plus strand). Cytogenetic location: 1p36.22.
Variant type: Microsatellite.
Genome position: GRCh38 VCF-style: chr1-11963529-CAG-C. GRCh37 (hg19) VCF-style: chr1-12023586-CAG-C.
Identifiers: ClinVar variation 2770105 (VCV002770105.3), dbSNP rs2522849913, ClinGen allele CA2697552177.